The following is an entry in ClinVar:

NM_145046.5(CALR3):c.127G>A (p.Asp43Asn)

Gene: CALR3 (calreticulin 3; minus strand). Cytogenetic location: 19p13.11.
Variant type: single nucleotide variant.
Coding change: c.127G>A on transcript NM_145046.5 (MANE Select); coding-DNA position 127, G replaced by A.
Protein change: p.Asp43Asn; replaces aspartic acid 43 with asparagine.
Molecular consequence: missense variant.
Genome position (GRCh38, 1-based): chr19:16,495,817, C>T on the plus strand (G>A on the coding strand, the complement: CALR3 is on the minus strand). VCF-style: chr19-16495817-C-T. GRCh37 (hg19) VCF-style: chr19-16606628-C-T.
Other names: short protein forms D43N.
Identifiers: ClinVar variation 935940 (VCV000935940.10), dbSNP rs745435624, ClinGen allele CA9278505.

ClinVar aggregate classification (germline): Uncertain significance (1 of 4 stars; one submission).

Conditions:
Hypertrophic cardiomyopathy 19. Also called: Familial hypertrophic cardiomyopathy 19. Identifiers: MedGen CN077603, MONDO:0013476.

Allele frequency attached by ClinVar (database versions not stated): ExAC 0.00001; gnomAD 0.00001; gnomAD exomes 0.00001; TOPMed 0.00001.

Submission:

Labcorp Genetics (formerly Invitae), Labcorp
Classification: Uncertain significance for Hypertrophic cardiomyopathy 19. Last evaluated: 2022-02-08. Review status: criteria provided, single submitter. Criteria: Invitae Variant Classification Sherloc (09022015). Collection method: clinical testing. Allele origin: germline.
Comment: In summary, the available evidence is currently insufficient to determine the role of this variant in disease. Therefore, it has been classified as a Variant of Uncertain Significance. Algorithms developed to predict the effect of missense changes on protein structure and function output the following: SIFT: "Tolerated"; PolyPhen-2: "Benign"; Align-GVGD: "Class C0". The asparagine amino acid residue is found in multiple mammalian species, which suggests that this missense change does not adversely affect protein function. ClinVar contains an entry for this variant (Variation ID: 935940). This variant has not been reported in the literature in individuals affected with CALR3-related conditions. This variant is present in population databases (rs745435624, gnomAD 0.02%). This sequence change replaces aspartic acid, which is acidic and polar, with asparagine, which is neutral and polar, at codon 43 of the CALR3 protein (p.Asp43Asn).